The following is an entry in ClinVar:

NM_003000.3(SDHB):c.16_18delinsTCA (p.Ala6Ser)

Gene: SDHB (succinate dehydrogenase complex iron sulfur subunit B; minus strand). Cytogenetic location: 1p36.13.
Variant type: Indel.
Coding change: c.16_18delinsTCA on transcript NM_003000.3 (MANE Select); coding-DNA positions 16 to 18, GCC replaced by TCA.
Protein change: p.Ala6Ser; replaces alanine 6 with serine.
Molecular consequence: missense variant.
Genome position (GRCh38, 1-based): chr1:17,054,002-17,054,004, GGC replaced by TGA on the plus strand (GCC replaced by TCA on the coding strand, the reverse complement: SDHB is on the minus strand). VCF-style: chr1-17054002-GGC-TGA. GRCh37 (hg19) VCF-style: chr1-17380497-GGC-TGA.
Other names: short protein forms A6S.
Identifiers: ClinVar variation 819614 (VCV000819614.4), dbSNP rs1570963601, ClinGen allele CA915941162.

ClinVar aggregate classification (germline): Uncertain significance (1 of 4 stars; one submission).

Conditions:
Hereditary cancer-predisposing syndrome. Also called: Neoplastic Syndromes, Hereditary; Tumor predisposition; Hereditary Cancer Syndrome; Hereditary neoplastic syndrome. Identifiers: Orphanet 140162, MedGen C0027672, MeSH D009386, MONDO:0015356.

Submission:

Ambry Genetics
Classification: Uncertain significance for Hereditary cancer-predisposing syndrome. Last evaluated: 2022-05-24. Review status: criteria provided, single submitter. Criteria: Ambry Variant Classification Scheme 2023. Collection method: clinical testing. Allele origin: germline.
Comment: The c.16_18delGCCinsTCA variant, located in coding exon 1 of the SDHB gene, results from an in-frame deletion of GCC and insertion of TCA at nucleotide positions 16 to 18. This results in the substitution of the alanine residue for a serine residue at codon 6, an amino acid with similar properties. This amino acid position is poorly conserved in available vertebrate species. In addition, this alteration is predicted to be neutral by in silico analysis (Choi Y et al. PLoS ONE. 2012; 7(10):e46688). Since supporting evidence is limited at this time, the clinical significance of this alteration remains unclear.